The following is an entry in ClinVar:

ClinVar aggregate classification (germline): Uncertain significance (1 of 4 stars; one submission).

Conditions:
Inborn genetic diseases. Identifiers: MedGen C0950123, MeSH D030342.

gnomAD v4.1: 2 of 1,613,312 alleles (0.00012%); highest among the groups gnomAD compares: Non-Finnish European, 0.00017%; no homozygotes.

Submission:

Ambry Genetics
Classification: Uncertain significance for Inborn genetic diseases. Last evaluated: 2026-01-25. Review status: criteria provided, single submitter. Criteria: Ambry Variant Classification Scheme 2023. Collection method: clinical testing. Allele origin: germline.
Comment: The p.L148R variant (also known as c.443T>G), located in coding exon 5 of the FANCA gene, results from a T to G substitution at nucleotide position 443. The leucine at codon 148 is replaced by arginine, an amino acid with dissimilar properties. This amino acid position is conserved. In addition, the in silico prediction for this alteration is inconclusive. Based on the available evidence, the clinical significance of this variant remains unclear.

NM_000135.4(FANCA):c.443T>G (p.Leu148Arg)

Gene: FANCA (FA complementation group A; minus strand). Cytogenetic location: 16q24.3.
Variant type: single nucleotide variant.
Coding change: c.443T>G on transcript NM_000135.4 (MANE Select); coding-DNA position 443, T replaced by G.
Protein change: p.Leu148Arg; replaces leucine 148 with arginine.
Molecular consequence: missense variant. On other transcripts: intron variant (1).
Genome position (GRCh38, 1-based): chr16:89,810,786, A>C on the plus strand (T>G on the coding strand, the complement: FANCA is on the minus strand). VCF-style: chr16-89810786-A-C. GRCh37 (hg19) VCF-style: chr16-89877194-A-C.
Other names: c.443T>G, p.Leu148Arg (NM_001018112.3, NM_001286167.3); c.426+143T>G (NM_001351830.2); short protein forms L148R.
Identifiers: ClinVar variation 4824592 (VCV004824592.1).